The following is an entry in ClinVar:

ClinVar aggregate classification (germline): Uncertain significance. Review status: criteria provided, multiple submitters, no conflicts (2 of 4 stars). 4 submissions from 4 submitters: Uncertain significance (4). Last evaluated 2022-09-01.

Conditions:
Niemann-Pick disease, type C1. Also called: NIEMANN-PICK DISEASE, VARIANT TYPE C1; NEUROVISCERAL STORAGE DISEASE WITH VERTICAL SUPRANUCLEAR OPHTHALMOPLEGIA; NIEMANN-PICK DISEASE WITH CHOLESTEROL ESTERIFICATION BLOCK; NIEMANN-PICK DISEASE WITHOUT SPHINGOMYELINASE DEFICIENCY; NIEMANN-PICK DISEASE, CHRONIC NEURONOPATHIC FORM. Identifiers: Orphanet 646, MedGen C3179455, MONDO:0009757, OMIM 257220.

Allele frequency attached by ClinVar (database versions not stated): TOPMed 0.00003; gnomAD 0.00004 and 0.00005; gnomAD exomes 0.00014; ESP Exome Variant Server 0.00015; ExAC 0.00017.
gnomAD v4.1: 79 of 1,532,954 alleles (0.0052%); highest among the groups gnomAD compares: Admixed American, 0.057%; no homozygotes.

Submissions (4):

Labcorp Genetics (formerly Invitae), Labcorp
Classification: Uncertain significance for Niemann-Pick disease, type C1. Last evaluated: 2022-09-01. Review status: criteria provided, single submitter. Criteria: Invitae Variant Classification Sherloc (09022015). Collection method: clinical testing. Allele origin: germline.
Comment: This sequence change replaces arginine, which is basic and polar, with histidine, which is basic and polar, at codon 714 of the NPC1 protein (p.Arg714His). The frequency data for this variant in the population databases is considered unreliable, as metrics indicate poor data quality at this position in the gnomAD database. This variant has not been reported in the literature in individuals affected with NPC1-related conditions. ClinVar contains an entry for this variant (Variation ID: 546815). Advanced modeling of protein sequence and biophysical properties (such as structural, functional, and spatial information, amino acid conservation, physicochemical variation, residue mobility, and thermodynamic stability) performed at Invitae indicates that this missense variant is expected to disrupt NPC1 protein function. In summary, the available evidence is currently insufficient to determine the role of this variant in disease. Therefore, it has been classified as a Variant of Uncertain Significance.

Eurofins Ntd Llc (ga)
Classification: Uncertain significance. Last evaluated: 2018-07-05. Review status: criteria provided, single submitter. Criteria: EGL ClinVar v180209 classification definitions. Collection method: clinical testing. Allele origin: germline. Observed: 1 variant allele, 1 heterozygote.

CeGaT Center for Human Genetics Tuebingen
Classification: Uncertain significance. Last evaluated: 2017-12-01. Review status: criteria provided, single submitter. Criteria: CeGaT Center For Human Genetics Tuebingen Variant Classification Criteria Version 2. Collection method: clinical testing. Allele origin: germline. Affected: yes. Observed: 1 variant allele.

Illumina Laboratory Services, Illumina
Classification: Uncertain significance for Niemann-Pick disease type C1. Last evaluated: 2017-04-27. Review status: criteria provided, single submitter. Criteria: ICSL Variant Classification Criteria 13 December 2019. Collection method: clinical testing. Allele origin: germline.

NM_000271.5(NPC1):c.2141G>A (p.Arg714His)

Gene: NPC1 (NPC intracellular cholesterol transporter 1; minus strand). Cytogenetic location: 18q11.2.
Variant type: single nucleotide variant.
Coding change: c.2141G>A on transcript NM_000271.5 (MANE Select); coding-DNA position 2141, G replaced by A.
Protein change: p.Arg714His; replaces arginine 714 with histidine.
Molecular consequence: missense variant.
Genome position (GRCh38, 1-based): chr18:23,543,559, C>T on the plus strand (G>A on the coding strand, the complement: NPC1 is on the minus strand). VCF-style: chr18-23543559-C-T. GRCh37 (hg19) VCF-style: chr18-21123523-C-T.
Other names: short protein forms R714H.
Identifiers: ClinVar variation 546815 (VCV000546815.52), dbSNP rs375047023, ClinGen allele CA8913194.